The following is an entry in ClinVar:

NM_000321.3(RB1):c.2490-15A>C

Gene: RB1 (RB transcriptional corepressor 1; plus strand). Cytogenetic location: 13q14.2.
Variant type: single nucleotide variant.
Coding change: c.2490-15A>C on transcript NM_000321.3 (MANE Select); 15 bases into the intron before coding-DNA position 2490, A replaced by C.
Molecular consequence: intron variant.
Genome position (GRCh38, 1-based): chr13:48,473,345, A>C. VCF-style: chr13-48473345-A-C. GRCh37 (hg19) VCF-style: chr13-49047481-A-C.
Identifiers: ClinVar variation 1597329 (VCV001597329.9), dbSNP rs772625432, ClinGen allele CA035814.
Genomic context (GRCh38, chr13:48,473,345, plus strand): 5'-ATGTATTTATGCTCATCTCTGCAAAATTGTATATGGTTTTTTATTACTAATTGGTATTTC[A>C]TCTTAACTTGACAGAATCTTAGTATCAATTGGTGAATCATTCGGGGTGAGTATTTTCTTT-3'

ClinVar aggregate classification (germline): Benign/Likely benign. Review status: criteria provided, multiple submitters, no conflicts (2 of 4 stars). 3 submissions from 3 submitters: Benign (2); Likely benign (1). Last evaluated 2026-06-25.

Conditions:
Retinoblastoma (RB1). Also called: RETINOBLASTOMA, SOMATIC. Identifiers: Orphanet 790, MedGen C0035335, MeSH D012175, MONDO:0008380, OMIM 180200, HP:0009919. Disease mechanism: loss of function. Inheritance: Both sporadic and heritable forms are tested..

Allele frequency attached by ClinVar (database versions not stated): gnomAD exomes 0.00004 and 0.00001; ExAC 0.00007; gnomAD 0.00003; TOPMed 0.00002.
gnomAD v4.1: 24 of 1,567,472 alleles (0.0015%); highest among the groups gnomAD compares: Non-Finnish European, 0.0017%; no homozygotes.

Submissions (3):

Myriad Genetics, Inc.
Classification: Benign for Retinoblastoma. Last evaluated: 2026-06-25. Review status: criteria provided, single submitter. Criteria: Myriad Autosomal Dominant, Autosomal Recessive and X-Linked Classification Criteria (2023). Collection method: clinical testing. Allele origin: unknown.
Comment: This variant is considered benign. This variant is intronic and is not expected to impact mRNA splicing. This variant has been observed at a population frequency that is significantly greater than expected given the associated disease prevalence and penetrance.

Labcorp Genetics (formerly Invitae), Labcorp
Classification: Likely benign for Retinoblastoma. Last evaluated: 2026-01-12. Review status: criteria provided, single submitter. Criteria: Invitae Variant Classification Sherloc (09022015). Collection method: clinical testing. Allele origin: germline.

Color Diagnostics, LLC DBA Color Health
Classification: Benign for Retinoblastoma. Last evaluated: 2022-05-04. Review status: criteria provided, single submitter. Criteria: ACMG Guidelines, 2015. Collection method: clinical testing. Allele origin: germline.